The following is an entry in ClinVar:

NM_001370259.2(MEN1):c.1738_1739insAA (p.Thr580fs)

Gene: MEN1 (menin 1; minus strand). Cytogenetic location: 11q13.1.
Variant type: Insertion.
Coding change: c.1738_1739insAA on transcript NM_001370259.2 (MANE Select); coding-DNA positions 1738 to 1739, AA inserted.
Protein change: p.Thr580fs; shifts the reading frame from threonine 580.
Molecular consequence: frameshift variant. On other transcripts: non-coding transcript variant (4).
Genome position: GRCh38 VCF-style: chr11-64804428-G-GTT. GRCh37 (hg19) VCF-style: chr11-64571900-G-GTT.
Other names: c.1753_1754insAA, p.Thr585fs (NM_000244.4, NM_001407145.1, NM_130800.3 and 4 more transcripts); c.1864_1865insAA, p.Thr622fs (NM_001370251.2, NM_001407142.1, NM_001407143.1 and 1 more transcripts); c.1738_1739insAA, p.Thr580fs (NM_001370260.2, NM_001370261.2, NM_001407146.1 and 2 more transcripts); c.1633_1634insAA, p.Thr545fs (NM_001370262.2, NM_001370263.2, NM_001407148.1 and 1 more transcripts); c.1879_1880insAA, p.Thr627fs (NM_001407150.1); c.1759_1760insAA, p.Thr587fs (NM_001407151.1); c.1573_1574insAA, p.Thr525fs (NM_001407152.1); short protein forms T622fs, T580fs, T585fs, T587fs, T627fs, T525fs, T545fs.
Identifiers: ClinVar variation 2702778 (VCV002702778.3), dbSNP rs1411642835, ClinGen allele CA2697548652.

ClinVar aggregate classification (germline): Pathogenic (1 of 4 stars; one submission).

Conditions:
Multiple endocrine neoplasia, type 1 (MEN1). Also called: MEN I; WERMER SYNDROME; Endocrine adenomatosis multiple; MEN 1; MEA I. Identifiers: Orphanet 652, MedGen C0025267, MeSH D018761, MONDO:0007540, OMIM 131100.

Submission:

Labcorp Genetics (formerly Invitae), Labcorp
Classification: Pathogenic for Multiple endocrine neoplasia, type 1. Last evaluated: 2023-12-13. Review status: criteria provided, single submitter. Criteria: Invitae Variant Classification Sherloc (09022015). Collection method: clinical testing. Allele origin: germline.
Comment: This sequence change creates a premature translational stop signal (p.Thr580Lysfs*9) in the MEN1 gene. While this is not anticipated to result in nonsense mediated decay, it is expected to disrupt the last 31 amino acid(s) of the MEN1 protein. This variant is not present in population databases (gnomAD no frequency). This variant has not been reported in the literature in individuals affected with MEN1-related conditions. This variant disrupts a region of the MEN1 protein in which other variant(s) (p.Thr580Argfs*8) have been determined to be pathogenic (Invitae). This suggests that this is a clinically significant region of the protein, and that variants that disrupt it are likely to be disease-causing. For these reasons, this variant has been classified as Pathogenic.